The following is an entry in ClinVar:

NM_000080.4(CHRNE):c.1077_1098dup (p.Ser367fs)

Genes: CHRNE (cholinergic receptor nicotinic epsilon subunit; minus strand), LOC130060041 (ATAC-STARR-seq lymphoblastoid silent region 8050; plus strand). Cytogenetic location: 17p13.2.
Variant type: Duplication.
Coding change: c.1077_1098dup on transcript NM_000080.4 (MANE Select); coding-DNA positions 1077 to 1098, 22 bases duplicated (GCCCGAGGCCCCCCGGGCCGCC).
Protein change: p.Ser367fs; shifts the reading frame from serine 367.
Molecular consequence: frameshift variant.
Genome position (GRCh38, 1-based): chr17:4,899,319-4,899,340, GGCGGCCCGGGGGGCCTCGGGC duplicated on the plus strand (GCCCGAGGCCCCCCGGGCCGCC on the coding strand, the reverse complement: CHRNE is on the minus strand); duplicating any 22 consecutive bases within chr17:4,899,319-4,899,346 gives the same sequence; the c. name uses the placement nearest the transcript's 3' end. VCF-style (leftmost placement, unchanged base first): chr17-4899318-A-AGGCGGCCCGGGGGGCCTCGGGC. GRCh37 (hg19) VCF-style: chr17-4802613-A-AGGCGGCCCGGGGGGCCTCGGGC.
Other names: c.1077_1098dup (NM_000080.3); c.1077_1098dup, p.Ser367fs (LRG_1254t1); short protein forms S367fs.
Identifiers: ClinVar variation 465853 (VCV000465853.10), dbSNP rs1555546315, ClinGen allele CA658658525.
Genomic context (GRCh38, chr17:4,899,318, plus strand): 5'-TCAGTATCAGCTCCTCCGCGCGGAGCAATAAGCCCACCGACGACGCCCGCCTTGGGGGCG[A>AGGCGGCCCGGGGGGCCTCGGGC]GGCGGCCCGGGGGGCCTCGGGCGGCGGCGGGGAGCCCAGGAGGCGCGGCAGCAGCTCCAG-3'

ClinVar aggregate classification (germline): Pathogenic/Likely pathogenic. Review status: criteria provided, multiple submitters, no conflicts (2 of 4 stars). 2 submissions from 2 submitters: Pathogenic (1); Likely pathogenic (1). Last evaluated 2026-01-17.

Conditions:
Congenital myasthenic syndrome (CMS). Also called: Congenital Myasthenic Syndromes. Identifiers: Orphanet 590, MedGen C0751882, MeSH D020294, MONDO:0018940.
Congenital myasthenic syndrome 4A. Also called: Myasthenic syndrome, congenital, 4a, slow-channel; CONGENITAL MYASTHENIC SYNDROME TYPE Ia1; MYASTHENIC SYNDROME, CONGENITAL, 4A, SLOW-CHANNEL, AUTOSOMAL RECESSIVE. Identifiers: Orphanet 590, MedGen C4225413, MONDO:0011600, OMIM 605809.

Submissions (2):

Labcorp Genetics (formerly Invitae), Labcorp
Classification: Pathogenic for Congenital myasthenic syndrome 4A. Last evaluated: 2026-01-17. Review status: criteria provided, single submitter. Criteria: Invitae Variant Classification Sherloc (09022015). Collection method: clinical testing. Allele origin: germline.
Comment: This sequence change creates a premature translational stop signal (p.Ser367Alafs*37) in the CHRNE gene. It is expected to result in an absent or disrupted protein product. Loss-of-function variants in CHRNE are known to be pathogenic (PMID: 22678886). This variant is not present in population databases (gnomAD no frequency). This variant has not been reported in the literature in individuals affected with CHRNE-related conditions. ClinVar contains an entry for this variant (Variation ID: 465853). For these reasons, this variant has been classified as Pathogenic.

Natera, Inc.
Classification: Likely pathogenic for Congenital myasthenic syndrome. Last evaluated: 2025-11-03. Review status: criteria provided, single submitter. Criteria: Natera Variant Classification Schema (03/2026). Collection method: clinical testing. Allele origin: germline.
Comment: The c.1077_1098dup variant in CHRNE is a frameshift variant predicted to shift the reading frame beginning at codon 367 and leads to a stop codon 37 codons downstream. This variant is expected to result in nonsense mediated decay, truncation, or a dysfunctional protein product. This variant is rare in the general population with a frequency below the threshold expected for the associated phenotype(s). Given the available evidence, this variant is classified as Likely Pathogenic.

Literature cited by the submitters: PubMed 22678886 (cited by Labcorp Genetics (formerly Invitae), Labcorp).